The following is an entry in ClinVar:

ClinVar aggregate classification (germline): Uncertain significance. Review status: criteria provided, multiple submitters, no conflicts (2 of 4 stars). 2 submissions from 2 submitters: Uncertain significance (2). Last evaluated 2022-03-08.

Conditions:
Hereditary cancer-predisposing syndrome. Also called: Neoplastic Syndromes, Hereditary; Tumor predisposition; Hereditary Cancer Syndrome; Hereditary neoplastic syndrome. Identifiers: Orphanet 140162, MedGen C0027672, MeSH D009386, MONDO:0015356.
Familial adenomatous polyposis 1 (FAP1). Also called: FAMILIAL ADENOMATOUS POLYPOSIS 1, ATTENUATED; POLYPOSIS, ADENOMATOUS INTESTINAL. Identifiers: MedGen C2713442, MONDO:0021056, OMIM 175100. Disease mechanism: loss of function.

Submissions (2):

Labcorp Genetics (formerly Invitae), Labcorp
Classification: Uncertain significance for Familial adenomatous polyposis 1. Last evaluated: 2022-03-08. Review status: criteria provided, single submitter. Criteria: Invitae Variant Classification Sherloc (09022015). Collection method: clinical testing. Allele origin: germline.
Comment: This variant is not present in population databases (gnomAD no frequency). This sequence change replaces proline, which is neutral and non-polar, with serine, which is neutral and polar, at codon 1091 of the APC protein (p.Pro1091Ser). This variant has not been reported in the literature in individuals affected with APC-related conditions. ClinVar contains an entry for this variant (Variation ID: 925159). Algorithms developed to predict the effect of missense changes on protein structure and function output the following: SIFT: "Tolerated"; PolyPhen-2: "Benign"; Align-GVGD: "Class C0". The serine amino acid residue is found in multiple mammalian species, which suggests that this missense change does not adversely affect protein function. In summary, the available evidence is currently insufficient to determine the role of this variant in disease. Therefore, it has been classified as a Variant of Uncertain Significance.

Color Diagnostics, LLC DBA Color Health
Classification: Uncertain significance for Hereditary cancer-predisposing syndrome. Last evaluated: 2019-06-04. Review status: criteria provided, single submitter. Criteria: ACMG Guidelines, 2015. Collection method: clinical testing. Allele origin: germline.

NM_000038.6(APC):c.3271C>T (p.Pro1091Ser)

Gene: APC (APC regulator of Wnt signaling pathway; plus strand). Cytogenetic location: 5q22.2.
Variant type: single nucleotide variant.
Coding change: c.3271C>T on transcript NM_000038.6 (MANE Select); coding-DNA position 3271, C replaced by T.
Protein change: p.Pro1091Ser; replaces proline 1091 with serine.
Molecular consequence: missense variant.
Genome position (GRCh38, 1-based): chr5:112,838,865, C>T. VCF-style: chr5-112838865-C-T. GRCh37 (hg19) VCF-style: chr5-112174562-C-T.
Other names: c.3271C>T, p.Pro1091Ser (NM_001127510.3, NM_001354895.2); c.3217C>T, p.Pro1073Ser (NM_001127511.3); c.3325C>T, p.Pro1109Ser (NM_001354896.2); c.3301C>T, p.Pro1101Ser (NM_001354897.2); c.3196C>T, p.Pro1066Ser (NM_001354898.2); c.3187C>T, p.Pro1063Ser (NM_001354899.2); c.3148C>T, p.Pro1050Ser (NM_001354900.2); c.3094C>T, p.Pro1032Ser (NM_001354901.2); and 5 more; short protein forms P1032S, P1063S, P931S, P965S, P1109S, P808S, P1073S, P1091S.
Identifiers: ClinVar variation 925159 (VCV000925159.12), dbSNP rs950606475, ClinGen allele CA16028515.
Genomic context (GRCh38, chr5:112,838,865, plus strand): 5'-CAAAGTACAACTTATCCTGTTTATACTGAGAGCACTGATGATAAACACCTCAAGTTCCAA[C>T]CACATTTTGGACAGCAGGAATGTGTTTCTCCATACAGGTCACGGGGAGCCAATGGTTCAG-3'
Protein context (NP_000029.2, residues 1081-1101): STDDKHLKFQ[Pro1091Ser]HFGQQECVSP